The following is an entry in ClinVar:

ClinVar aggregate classification (germline): Uncertain significance (1 of 4 stars; one submission).

Submission:

GeneDx
Classification: Uncertain significance. Last evaluated: 2022-12-01. Review status: criteria provided, single submitter. Criteria: GeneDx Variant Classification Process June 2021. Collection method: clinical testing. Allele origin: germline. Affected: yes.
Comment: Not observed at significant frequency in large population cohorts (gnomAD); In silico analysis supports that this missense variant has a deleterious effect on protein structure/function; Has not been previously published as pathogenic or benign to our knowledge

NM_001367721.1(CASK):c.2446T>C (p.Tyr816His)

Gene: CASK (calcium/calmodulin dependent serine protein kinase; minus strand). Cytogenetic location: Xp11.4.
Variant type: single nucleotide variant.
Coding change: c.2446T>C on transcript NM_001367721.1 (MANE Select); coding-DNA position 2446, T replaced by C.
Protein change: p.Tyr816His; replaces tyrosine 816 with histidine.
Molecular consequence: missense variant.
Genome position (GRCh38, 1-based): chrX:41,531,081, A>G on the plus strand (T>C on the coding strand, the complement: CASK is on the minus strand). VCF-style: chrX-41531081-A-G. GRCh37 (hg19) VCF-style: chrX-41390334-A-G.
Other names: c.2362T>C, p.Tyr788His (NM_001126054.3); c.2359T>C, p.Tyr787His (NM_001126055.3); c.2428T>C, p.Tyr810His (NM_001410745.1); c.2431T>C, p.Tyr811His (NM_003688.4); short protein forms Y787H, Y788H, Y810H, Y811H, Y816H.
Identifiers: ClinVar variation 2504187 (VCV002504187.1), dbSNP rs2519688020, ClinGen allele CA412990171.